The following is an entry in ClinVar:

ClinVar aggregate classification (germline): Likely benign (1 of 4 stars; one submission).

Submissions (3):

CeGaT Center for Human Genetics Tuebingen
Classification: Likely benign. Last evaluated: 2026-03-01. Review status: criteria provided, single submitter. Criteria: CeGaT Center For Human Genetics Tuebingen Variant Classification Criteria Version 2. Collection method: clinical testing. Allele origin: germline. Affected: yes. Observed: 1 variant allele.
Comment: RIF1: BP4, BS2

Dr. Peter K. Rogan Lab, Western University
No classification provided (evidence only). Condition: Gastric cancer. Review status: no classification provided. Collection method: in vitro. Allele origin: not applicable. Functional consequence: retained intron. Not counted in ClinVar's aggregate classification.

Dr. Peter K. Rogan Lab, Western University
No classification provided (evidence only). Condition: Malignant tumor of esophagus. Review status: no classification provided. Collection method: in vitro. Allele origin: not applicable. Functional consequence: retained intron. Not counted in ClinVar's aggregate classification.

NM_018151.5(RIF1):c.1986+8A>G

Gene: RIF1 (replication timing regulatory factor 1; plus strand). Cytogenetic location: 2q23.3.
Variant type: single nucleotide variant.
Coding change: c.1986+8A>G on transcript NM_018151.5 (MANE Select); 8 bases into the intron after coding-DNA position 1986, A replaced by G.
Molecular consequence: intron variant.
Genome position (GRCh38, 1-based): chr2:151,443,717, A>G. VCF-style: chr2-151443717-A-G. GRCh37 (hg19) VCF-style: chr2-152300231-A-G.
Other names: NC_000002.11:g.152300231A>G; c.1986+8A>G (NM_001177665.2, NM_001177663.2, NM_001177664.2).
Identifiers: ClinVar variation 4504555 (VCV004504555.5).